The following is an entry in ClinVar:

ClinVar aggregate classification (germline): Pathogenic. Review status: criteria provided, multiple submitters, no conflicts (2 of 4 stars). 2 submissions from 2 submitters: Pathogenic (2). Last evaluated 2024-01-25.

Conditions:
Ataxia-telangiectasia-like disorder (ATLD). Identifiers: MedGen C1858391, MONDO:0011457.
Hereditary cancer-predisposing syndrome. Also called: Hereditary Cancer Syndrome; Tumor predisposition; Neoplastic Syndromes, Hereditary; Hereditary neoplastic syndrome. Identifiers: Orphanet 140162, MedGen C0027672, MeSH D009386, MONDO:0015356.

Submissions (2):

Ambry Genetics
Classification: Pathogenic for Hereditary cancer-predisposing syndrome. Last evaluated: 2024-01-25. Review status: criteria provided, single submitter. Criteria: Ambry Variant Classification Scheme 2023. Collection method: clinical testing. Allele origin: germline.
Comment: The c.490_496dupATTAGTC pathogenic mutation, located in coding exon 5 of the MRE11A gene, results from a duplication of ATTAGTC at nucleotide position 490, causing a translational frameshift with a predicted alternate stop codon (p.P166Hfs*2). This alteration is expected to result in loss of function by premature protein truncation or nonsense-mediated mRNA decay. As such, this alteration is interpreted as a disease-causing mutation.

Labcorp Genetics (formerly Invitae), Labcorp
Classification: Pathogenic for Ataxia-telangiectasia-like disorder. Last evaluated: 2023-01-31. Review status: criteria provided, single submitter. Criteria: Invitae Variant Classification Sherloc (09022015). Collection method: clinical testing. Allele origin: germline.
Comment: This sequence change creates a premature translational stop signal (p.Pro166Hisfs*2) in the MRE11 gene. It is expected to result in an absent or disrupted protein product. Loss-of-function variants in MRE11 are known to be pathogenic (PMID: 23080121, 23912341). This variant is not present in population databases (gnomAD no frequency). This variant has not been reported in the literature in individuals affected with MRE11-related conditions. For these reasons, this variant has been classified as Pathogenic.

Literature cited by the submitters: PubMed 23080121 (cited by Labcorp Genetics (formerly Invitae), Labcorp); PubMed 23912341 (cited by Labcorp Genetics (formerly Invitae), Labcorp).

NM_005591.4(MRE11):c.490_496dup (p.Pro166delinsHisTer)

Gene: MRE11 (MRE11 double strand break repair nuclease; minus strand). Cytogenetic location: 11q21.
Variant type: Duplication.
Coding change: c.490_496dup on transcript NM_005591.4 (MANE Select); coding-DNA positions 490 to 496, 7 bases duplicated (ATTAGTC; older notation c.490_496dupATTAGTC).
Protein change: p.Pro166delinsHisTer.
Molecular consequence: nonsense.
Genome position (GRCh38, 1-based): chr11:94,478,783-94,478,789, GACTAAT duplicated on the plus strand (ATTAGTC on the coding strand, the reverse complement: MRE11 is on the minus strand); duplicating any 7 consecutive bases within chr11:94,478,783-94,478,790 gives the same sequence; the c. name uses the placement nearest the transcript's 3' end. VCF-style (leftmost placement, unchanged base first): chr11-94478782-G-GGACTAAT. GRCh37 (hg19) VCF-style: chr11-94211948-G-GGACTAAT.
Other names: c.490_496dupATTAGTC (NM_005591.3); c.490_496dup, p.Pro166delinsHisTer (NM_001330347.2, NM_005590.4).
Identifiers: ClinVar variation 2729867 (VCV002729867.4), dbSNP rs2496555527, ClinGen allele CA2697548883.